The following is an entry in ClinVar:

NM_153682.3(PIGP):c.-13dup

Gene: PIGP (phosphatidylinositol glycan anchor biosynthesis class P; minus strand). Cytogenetic location: 21q22.13.
Variant type: Duplication.
Coding change: c.-13dup on transcript NM_153682.3 (MANE Select); 13 bases upstream of the start codon, one base duplicated (A; older notation c.-13dupA).
Molecular consequence: 5 prime UTR variant. On other transcripts: frameshift variant (1).
Genome position (GRCh38, 1-based): chr21:37,072,528, T duplicated on the plus strand (A on the coding strand, the reverse complement: PIGP is on the minus strand); the first of 3 consecutive T bases (chr21:37,072,528-37,072,530); duplicating any one gives the same sequence. VCF-style (leftmost placement, unchanged base first): chr21-37072527-C-CT. GRCh37 (hg19) VCF-style: chr21-38444827-C-CT.
Other names: c.-13dup (NM_001320480.2); c.-257dup (NM_016430.4); c.60dup, p.Ala21fs (NM_153681.2); short protein forms A21fs.
Identifiers: ClinVar variation 1957509 (VCV001957509.2), dbSNP rs745677647, ClinGen allele CA10021188.

ClinVar aggregate classification (germline): Uncertain significance (1 of 4 stars; one submission).

Submission:

Labcorp Genetics (formerly Invitae), Labcorp
Classification: Uncertain significance. Last evaluated: 2022-04-09. Review status: criteria provided, single submitter. Criteria: Invitae Variant Classification Sherloc (09022015). Collection method: clinical testing. Allele origin: germline.
Comment: This sequence change creates a premature translational stop signal (p.Ala21Serfs*42) in the PIGP gene. It is expected to result in an absent or disrupted protein product. However, the current clinical and genetic evidence is not sufficient to establish whether loss-of-function variants in PIGP cause disease. This variant is present in population databases (rs745677647, gnomAD 0.003%). This variant has not been reported in the literature in individuals affected with PIGP-related conditions. In summary, the available evidence is currently insufficient to determine the role of this variant in disease. Therefore, it has been classified as a Variant of Uncertain Significance.